The following is an entry in ClinVar:

NM_000400.4(ERCC2):c.413C>T (p.Thr138Ile)

Gene: ERCC2 (ERCC excision repair 2, TFIIH core complex helicase subunit; minus strand). Cytogenetic location: 19q13.32.
Variant type: single nucleotide variant.
Coding change: c.413C>T on transcript NM_000400.4 (MANE Select); coding-DNA position 413, C replaced by T.
Protein change: p.Thr138Ile; replaces threonine 138 with isoleucine.
Molecular consequence: missense variant.
Genome position (GRCh38, 1-based): chr19:45,365,106, G>A on the plus strand (C>T on the coding strand, the complement: ERCC2 is on the minus strand). VCF-style: chr19-45365106-G-A. GRCh37 (hg19) VCF-style: chr19-45868364-G-A.
Other names: c.341C>T, p.Thr114Ile (NM_001130867.2); short protein forms T114I, T138I.
Identifiers: ClinVar variation 3231696 (VCV003231696.1), dbSNP rs2514035088, ClinGen allele CA406376053.

ClinVar aggregate classification (germline): Uncertain significance (1 of 4 stars; one submission).

Conditions:
Inborn genetic diseases. Identifiers: MedGen C0950123, MeSH D030342.

Allele frequency attached by ClinVar (database versions not stated): gnomAD exomes below 0.00001.
gnomAD v4.1: 2 of 1,614,226 alleles (0.00012%); highest among the groups gnomAD compares: Non-Finnish European, 0.00017%; no homozygotes.

Submission:

Ambry Genetics
Classification: Uncertain significance for Inborn genetic diseases. Last evaluated: 2023-11-15. Review status: criteria provided, single submitter. Criteria: Ambry Variant Classification Scheme 2023. Collection method: clinical testing. Allele origin: germline.
Comment: The p.T138I variant (also known as c.413C>T), located in coding exon 6 of the ERCC2 gene, results from a C to T substitution at nucleotide position 413. The threonine at codon 138 is replaced by isoleucine, an amino acid with similar properties. This amino acid position is conserved. In addition, this alteration is predicted to be deleterious by in silico analysis. Since supporting evidence is limited at this time, the clinical significance of this alteration remains unclear.